The following is an entry in ClinVar:

ClinVar aggregate classification (germline): Uncertain significance. Review status: criteria provided, multiple submitters, no conflicts (2 of 4 stars). 2 submissions from 2 submitters: Uncertain significance (2). Last evaluated 2025-08-12.

Conditions:
Bardet-Biedl syndrome (BBS). Identifiers: Orphanet 110, MedGen C0752166, MONDO:0015229.
McKusick-Kaufman syndrome (MKKS). Also called: HYDROMETROCOLPOS SYNDROME; HYDROMETROCOLPOS, POSTAXIAL POLYDACTYLY, AND CONGENITAL HEART MALFORMATION. Identifiers: Orphanet 2473, MedGen C0948368, MONDO:0009367, OMIM 236700.
Inborn genetic diseases. Identifiers: MedGen C0950123, MeSH D030342.

Allele frequency attached by ClinVar (database versions not stated): gnomAD exomes below 0.00001; TOPMed below 0.00001; gnomAD 0.00001.
gnomAD v4.1: 2 of 1,613,898 alleles (0.00012%); highest among the groups gnomAD compares: African/African-American, 0.0027%; no homozygotes.

Submissions (2):

Ambry Genetics
Classification: Uncertain significance for Inborn genetic diseases. Last evaluated: 2025-08-12. Review status: criteria provided, single submitter. Criteria: Ambry Variant Classification Scheme 2023. Collection method: clinical testing. Allele origin: germline.

Labcorp Genetics (formerly Invitae), Labcorp
Classification: Uncertain significance for McKusick-Kaufman syndrome; Bardet-Biedl syndrome. Last evaluated: 2022-10-13. Review status: criteria provided, single submitter. Criteria: Invitae Variant Classification Sherloc (09022015). Collection method: clinical testing. Allele origin: germline.
Comment: In summary, the available evidence is currently insufficient to determine the role of this variant in disease. Therefore, it has been classified as a Variant of Uncertain Significance. Advanced modeling of protein sequence and biophysical properties (such as structural, functional, and spatial information, amino acid conservation, physicochemical variation, residue mobility, and thermodynamic stability) has been performed at Invitae for this missense variant, however the output from this modeling did not meet the statistical confidence thresholds required to predict the impact of this variant on MKKS protein function. ClinVar contains an entry for this variant (Variation ID: 1355714). This variant has not been reported in the literature in individuals affected with MKKS-related conditions. This variant is not present in population databases (gnomAD no frequency). This sequence change replaces threonine, which is neutral and polar, with isoleucine, which is neutral and non-polar, at codon 369 of the MKKS protein (p.Thr369Ile).

NM_170784.3(MKKS):c.1106C>T (p.Thr369Ile)

Gene: MKKS (MKKS centrosomal shuttling protein; minus strand). Cytogenetic location: 20p12.2.
Variant type: single nucleotide variant.
Coding change: c.1106C>T on transcript NM_170784.3 (MANE Select); coding-DNA position 1106, C replaced by T.
Protein change: p.Thr369Ile; replaces threonine 369 with isoleucine.
Molecular consequence: missense variant. On other transcripts: non-coding transcript variant (1).
Genome position (GRCh38, 1-based): chr20:10,408,683, G>A on the plus strand (C>T on the coding strand, the complement: MKKS is on the minus strand). VCF-style: chr20-10408683-G-A. GRCh37 (hg19) VCF-style: chr20-10389331-G-A.
Other names: c.1106C>T (NM_018848.2); c.1106C>T, p.Thr369Ile (NM_018848.3); short protein forms T369I.
Identifiers: ClinVar variation 1355714 (VCV001355714.9), dbSNP rs2064859757, ClinGen allele CA408231648.